The following is an entry in ClinVar:

ClinVar aggregate classification (germline): Uncertain significance (1 of 4 stars; one submission).

Conditions:
Hereditary cancer-predisposing syndrome. Also called: Neoplastic Syndromes, Hereditary; Tumor predisposition; Hereditary Cancer Syndrome; Hereditary neoplastic syndrome. Identifiers: Orphanet 140162, MedGen C0027672, MeSH D009386, MONDO:0015356.

Submission:

Ambry Genetics
Classification: Uncertain significance for Hereditary cancer-predisposing syndrome. Last evaluated: 2016-12-09. Review status: criteria provided, single submitter. Criteria: Ambry Variant Classification Scheme 2023. Collection method: clinical testing. Allele origin: germline.
Comment: The p.S225R variant (also known as c.675C>G), located in coding exon 6 of the ATM gene, results from a C to G substitution at nucleotide position 675. The serine at codon 225 is replaced by arginine, an amino acid with dissimilar properties. This amino acid position is not well conserved in available vertebrate species. In addition, this alteration is predicted to be tolerated by in silico analysis. Since supporting evidence is limited at this time, the clinical significance of this alteration remains unclear.

NM_000051.4(ATM):c.675C>G (p.Ser225Arg)

Gene: ATM (ATM serine/threonine kinase; plus strand). Cytogenetic location: 11q22.3.
Variant type: single nucleotide variant.
Coding change: c.675C>G on transcript NM_000051.4 (MANE Select); coding-DNA position 675, C replaced by G.
Protein change: p.Ser225Arg; replaces serine 225 with arginine.
Molecular consequence: missense variant.
Genome position (GRCh38, 1-based): chr11:108,244,800, C>G. VCF-style: chr11-108244800-C-G. GRCh37 (hg19) VCF-style: chr11-108115527-C-G.
Other names: c.675C>G, p.Ser225Arg (NM_001351834.2); short protein forms S225R.
Identifiers: ClinVar variation 482664 (VCV000482664.5), dbSNP rs1555066940, ClinGen allele CA382528994.